The following is an entry in ClinVar:

ClinVar aggregate classification (germline): Uncertain significance (1 of 4 stars; one submission).

Conditions:
Primary familial hypertrophic cardiomyopathy (HCM). Identifiers: Orphanet 99739, MedGen C0949658, MeSH D024741, MONDO:0024573. Inheritance: Various modes of inheritance.

Submission:

Labcorp Genetics (formerly Invitae), Labcorp
Classification: Uncertain significance for Primary familial hypertrophic cardiomyopathy. Last evaluated: 2025-08-25. Review status: criteria provided, single submitter. Criteria: Invitae Variant Classification Sherloc (09022015). Collection method: clinical testing. Allele origin: germline.
Comment: This sequence change replaces arginine, which is basic and polar, with glycine, which is neutral and non-polar, at codon 145 of the ILK protein (p.Arg145Gly). This variant is not present in population databases (gnomAD no frequency). This variant has not been reported in the literature in individuals affected with ILK-related conditions. An algorithm developed to predict the effect of missense changes on protein structure and function (PolyPhen-2) suggests that this variant is likely to be tolerated. In summary, the available evidence is currently insufficient to determine the role of this variant in disease. Therefore, it has been classified as a Variant of Uncertain Significance.

NM_004517.4(ILK):c.433A>G (p.Arg145Gly)

Genes: ILK (integrin linked kinase; plus strand), TAF10 (TATA-box binding protein associated factor 10; minus strand). Cytogenetic location: 11p15.4.
Variant type: single nucleotide variant.
Coding change: c.433A>G on transcript NM_004517.4 (MANE Select); coding-DNA position 433, A replaced by G.
Protein change: p.Arg145Gly; replaces arginine 145 with glycine.
Molecular consequence: missense variant. On other transcripts: 3 prime UTR variant (1), intron variant (1).
Genome position (GRCh38, 1-based): chr11:6,608,775, A>G. VCF-style: chr11-6608775-A-G. GRCh37 (hg19) VCF-style: chr11-6630005-A-G.
Other names: c.433A>G, p.Arg145Gly (NM_001014794.3, NM_001014795.3); c.31A>G, p.Arg11Gly (NM_001278442.2); c.*2147T>C (NM_006284.4); c.352-109A>G (NM_001278441.2); short protein forms R11G, R145G.
Identifiers: ClinVar variation 4811346 (VCV004811346.1).